The following is an entry in ClinVar:

ClinVar aggregate classification (germline): Uncertain significance (1 of 4 stars; one submission).

Submission:

Labcorp Genetics (formerly Invitae), Labcorp
Classification: Uncertain significance. Last evaluated: 2024-06-06. Review status: criteria provided, single submitter. Criteria: Invitae Variant Classification Sherloc (09022015). Collection method: clinical testing. Allele origin: germline.
Comment: This sequence change replaces isoleucine, which is neutral and non-polar, with asparagine, which is neutral and polar, at codon 136 of the MARS2 protein (p.Ile136Asn). This variant is not present in population databases (gnomAD no frequency). This variant has not been reported in the literature in individuals affected with MARS2-related conditions. Advanced modeling of protein sequence and biophysical properties (such as structural, functional, and spatial information, amino acid conservation, physicochemical variation, residue mobility, and thermodynamic stability) performed at Invitae indicates that this missense variant is not expected to disrupt MARS2 protein function with a negative predictive value of 80%. In summary, the available evidence is currently insufficient to determine the role of this variant in disease. Therefore, it has been classified as a Variant of Uncertain Significance.

NM_138395.4(MARS2):c.407T>A (p.Ile136Asn)

Gene: MARS2 (methionyl-tRNA synthetase 2, mitochondrial; plus strand). Cytogenetic location: 2q33.1.
Variant type: single nucleotide variant.
Coding change: c.407T>A on transcript NM_138395.4 (MANE Select); coding-DNA position 407, T replaced by A.
Protein change: p.Ile136Asn; replaces isoleucine 136 with asparagine.
Molecular consequence: missense variant.
Genome position (GRCh38, 1-based): chr2:197,705,812, T>A. VCF-style: chr2-197705812-T-A. GRCh37 (hg19) VCF-style: chr2-198570536-T-A.
Other names: short protein forms I136N.
Identifiers: ClinVar variation 3714146 (VCV003714146.2).
Genomic context (GRCh38, chr2:197,705,812, plus strand): 5'-GAGTCTCTGAGCAGTTCCAGCAGCTTTTCCAGGAGGCCGGTATCTCCTGCACAGATTTCA[T>A]CCGCACCACGGAGGCCCGGCACCGGGTGGCTGTGCAGCACTTCTGGGGGGTGCTTAAGTC-3'
Protein context (NP_612404.1, residues 126-146): QEAGISCTDF[Ile136Asn]RTTEARHRVA